The following is an entry in ClinVar:

NM_001243133.2(NLRP3):c.2738C>G (p.Thr913Arg)

Gene: NLRP3 (NLR family pyrin domain containing 3; plus strand). Cytogenetic location: 1q44.
Variant type: single nucleotide variant.
Coding change: c.2738C>G on transcript NM_001243133.2 (MANE Select); coding-DNA position 2738, C replaced by G.
Protein change: p.Thr913Arg; replaces threonine 913 with arginine.
Molecular consequence: missense variant.
Genome position (GRCh38, 1-based): chr1:247,444,046, C>G. VCF-style: chr1-247444046-C-G. GRCh37 (hg19) VCF-style: chr1-247607348-C-G.
Other names: c.2738C>G, p.Thr913Arg (NM_001079821.3); c.2567C>G, p.Thr856Arg (NM_001127461.3, NM_001127462.3); c.2744C>G, p.Thr915Arg (NM_004895.5); c.2396C>G, p.Thr799Arg (NM_183395.3); short protein forms T799R, T856R, T913R, T915R.
Identifiers: ClinVar variation 2446298 (VCV002446298.1), dbSNP rs765925466, ClinGen allele CA345565027.
Genomic context (GRCh38, chr1:247,444,046, plus strand): 5'-GCCTTACGTCAGTCTGTTGTTCAGCTTTGTCCTCGGTACTCAGCACTAATCAGAATCTCA[C>G]GCACCTTTACCTGCGAGGCAACACTCTCGGAGACAAGGGGATCAAACTACTCTGTGAGGG-3'
Protein context (NP_001230062.1, residues 903-923): SSVLSTNQNL[Thr913Arg]HLYLRGNTLG

ClinVar aggregate classification (germline): Uncertain significance (1 of 4 stars; one submission).

Submission:

GeneDx
Classification: Uncertain significance. Last evaluated: 2022-09-23. Review status: criteria provided, single submitter. Criteria: GeneDx Variant Classification Process June 2021. Collection method: clinical testing. Allele origin: germline. Affected: yes.
Comment: Not observed at significant frequency in large population cohorts (gnomAD); In silico analysis supports that this missense variant has a deleterious effect on protein structure/function; Has not been previously published as pathogenic or benign to our knowledge